The following is an entry in ClinVar:

NM_004456.5(EZH2):c.1241-135C>T

Gene: EZH2 (enhancer of zeste 2 polycomb repressive complex 2 subunit; minus strand). Cytogenetic location: 7q36.1.
Variant type: single nucleotide variant.
Coding change: c.1241-135C>T on transcript NM_004456.5 (MANE Select); 135 bases into the intron before coding-DNA position 1241, C replaced by T.
Molecular consequence: intron variant.
Genome position (GRCh38, 1-based): chr7:148,817,526, G>A on the plus strand (C>T on the coding strand, the complement: EZH2 is on the minus strand). VCF-style: chr7-148817526-G-A. GRCh37 (hg19) VCF-style: chr7-148514618-G-A.
Other names: c.1199-135C>T (NM_001203248.2, NM_001203249.2); c.1109-135C>T (NM_152998.3); c.1226-135C>T (NM_001203247.2).
Identifiers: ClinVar variation 680127 (VCV000680127.2), dbSNP rs17551792, ClinGen allele CA12676555.

ClinVar aggregate classification (germline): Benign. Review status: criteria provided, multiple submitters, no conflicts (2 of 4 stars). 2 submissions from 2 submitters: Benign (2). Last evaluated 2018-06-19.

Allele frequency attached by ClinVar (database versions not stated): gnomAD 0.04469 and 0.04595; 1000 Genomes Project 0.04732; 1000 Genomes Project 30x 0.04825; gnomAD exomes 0.04968; TOPMed 0.04971.
gnomAD v4.1: 40,758 of 829,608 alleles (4.9%); highest among the groups gnomAD compares: Admixed American, 12%; 1,318 homozygotes.

Submissions (2):

GeneDx
Classification: Benign. Last evaluated: 2018-06-19. Review status: criteria provided, single submitter. Criteria: GeneDx Variant Classification (06012015). Collection method: clinical testing. Allele origin: germline. Affected: yes.
Comment: This variant is considered likely benign or benign based on one or more of the following criteria: it is a conservative change, it occurs at a poorly conserved position in the protein, it is predicted to be benign by multiple in silico algorithms, and/or has population frequency not consistent with disease.

Breakthrough Genomics
Classification: Benign. Review status: criteria provided, single submitter. Criteria: ACMG Guidelines, 2015. Collection method: not provided. Allele origin: germline. Inheritance: Autosomal dominant inheritance. Affected: yes.